The following is an entry in ClinVar:

NM_024408.4(NOTCH2):c.5781G>A (p.Gln1927=)

Gene: NOTCH2 (notch receptor 2; minus strand). Cytogenetic location: 1p12.
Variant type: single nucleotide variant.
Coding change: c.5781G>A on transcript NM_024408.4 (MANE Select); coding-DNA position 5781, G replaced by A.
Protein change: p.Gln1927=; no amino-acid change (glutamine 1927 retained).
Molecular consequence: synonymous variant.
Genome position (GRCh38, 1-based): chr1:119,919,312, C>T on the plus strand (G>A on the coding strand, the complement: NOTCH2 is on the minus strand). VCF-style: chr1-119919312-C-T. GRCh37 (hg19) VCF-style: chr1-120461935-C-T.
Identifiers: ClinVar variation 3727214 (VCV003727214.2).

ClinVar aggregate classification (germline): Uncertain significance (1 of 4 stars; one submission).

Conditions:
Hajdu-Cheney syndrome (HJCYS). Also called: Acroosteolysis dominant type; ACROOSTEOLYSIS WITH OSTEOPOROSIS AND CHANGES IN SKULL AND MANDIBLE; SERPENTINE FIBULA-POLYCYSTIC KIDNEY SYNDROME. Identifiers: Orphanet 955, MedGen C0917715, MONDO:0007057, OMIM 102500.

Submission:

Labcorp Genetics (formerly Invitae), Labcorp
Classification: Uncertain significance for Hajdu-Cheney syndrome. Last evaluated: 2024-12-23. Review status: criteria provided, single submitter. Criteria: Invitae Variant Classification Sherloc (09022015). Collection method: clinical testing. Allele origin: germline.
Comment: This sequence change affects codon 1927 of the NOTCH2 mRNA. It is a 'silent' change, meaning that it does not change the encoded amino acid sequence of the NOTCH2 protein. This variant also falls at the last nucleotide of exon 31, which is part of the consensus splice site for this exon. This variant is not present in population databases (gnomAD no frequency). This variant has not been reported in the literature in individuals affected with NOTCH2-related conditions. Variants that disrupt the consensus splice site are a relatively common cause of aberrant splicing (PMID: 17576681, 9536098). Algorithms developed to predict the effect of sequence changes on RNA splicing suggest that this variant may disrupt the consensus splice site. In summary, the available evidence is currently insufficient to determine the role of this variant in disease. Therefore, it has been classified as a Variant of Uncertain Significance.

Literature cited by the submitters: PubMed 17576681; PubMed 9536098.